The following is an entry in ClinVar:

NM_000032.5(ALAS2):c.1621A>T (p.Thr541Ser)

Gene: ALAS2 (5'-aminolevulinate synthase 2; minus strand). Cytogenetic location: Xp11.21.
Variant type: single nucleotide variant.
Coding change: c.1621A>T on transcript NM_000032.5 (MANE Select); coding-DNA position 1621, A replaced by T.
Protein change: p.Thr541Ser; replaces threonine 541 with serine.
Molecular consequence: missense variant.
Genome position (GRCh38, 1-based): chrX:55,009,323, T>A on the plus strand (A>T on the coding strand, the complement: ALAS2 is on the minus strand). VCF-style: chrX-55009323-T-A. GRCh37 (hg19) VCF-style: chrX-55035756-T-A.
Other names: c.1510A>T, p.Thr504Ser (NM_001037967.4); c.1582A>T, p.Thr528Ser (NM_001037968.4); c.1621A>T (NM_000032.4); short protein forms T541S, T504S, T528S.
Identifiers: ClinVar variation 1986194 (VCV001986194.5), dbSNP rs763862539, ClinGen allele CA10428251.

ClinVar aggregate classification (germline): Uncertain significance. Review status: criteria provided, multiple submitters, no conflicts (2 of 4 stars). 2 submissions from 2 submitters: Uncertain significance (2). Last evaluated 2025-09-10.

Conditions:
ALAS2-related disorder. Also called: ALAS2-related condition.

Allele frequency attached by ClinVar (database versions not stated): ExAC 0.00002; TOPMed 0.00002; gnomAD 0.00004; gnomAD exomes 0.00006.

Submissions (2):

Labcorp Genetics (formerly Invitae), Labcorp
Classification: Uncertain significance. Last evaluated: 2025-09-10. Review status: criteria provided, single submitter. Criteria: Invitae Variant Classification Sherloc (09022015). Collection method: clinical testing. Allele origin: germline.
Comment: This sequence change replaces threonine, which is neutral and polar, with serine, which is neutral and polar, at codon 541 of the ALAS2 protein (p.Thr541Ser). This variant is present in population databases (rs763862539, gnomAD 0.004%). This variant has not been reported in the literature in individuals affected with ALAS2-related conditions. ClinVar contains an entry for this variant (Variation ID: 1986194). Invitae Evidence Modeling of protein sequence and biophysical properties (such as structural, functional, and spatial information, amino acid conservation, physicochemical variation, residue mobility, and thermodynamic stability) indicates that this missense variant is not expected to disrupt ALAS2 protein function with a negative predictive value of 95%. In summary, the available evidence is currently insufficient to determine the role of this variant in disease. Therefore, it has been classified as a Variant of Uncertain Significance.

PreventionGenetics, part of Exact Sciences
Classification: Uncertain significance for ALAS2-related condition. Last evaluated: 2025-06-13. Review status: criteria provided, single submitter. Criteria: ACMG Guidelines, 2015. Collection method: clinical testing. Allele origin: germline.
Comment: The ALAS2 c.1621A>T variant is predicted to result in the amino acid substitution p.Thr541Ser. To our knowledge, this variant has not been reported in the literature. This variant is reported in 0.0050% of alleles in individuals of European (non-Finnish) descent in gnomAD, including 2 hemizygotes. At this time, the clinical significance of this variant is uncertain due to the absence of conclusive functional and genetic evidence.